The following is an entry in ClinVar:

NM_005562.3(LAMC2):c.1491T>G (p.Ala497=)

Gene: LAMC2 (laminin subunit gamma 2; plus strand). Cytogenetic location: 1q25.3.
Variant type: single nucleotide variant.
Coding change: c.1491T>G on transcript NM_005562.3 (MANE Select); coding-DNA position 1491, T replaced by G.
Protein change: p.Ala497=; no amino-acid change (alanine 497 retained).
Molecular consequence: synonymous variant.
Genome position (GRCh38, 1-based): chr1:183,228,396, T>G. VCF-style: chr1-183228396-T-G. GRCh37 (hg19) VCF-style: chr1-183197531-T-G.
Other names: c.1491T>G, p.Ala497= (NM_018891.3).
Identifiers: ClinVar variation 294004 (VCV000294004.18), dbSNP rs539212332, ClinGen allele CA1282653.

ClinVar aggregate classification (germline): Benign/Likely benign. Review status: criteria provided, multiple submitters, no conflicts (2 of 4 stars). 4 submissions from 4 submitters: Benign (1); Likely benign (2). 1 of the submissions does not count toward it. Last evaluated 2026-01-19.

Conditions:
Junctional epidermolysis bullosa. Identifiers: Orphanet 305, MedGen C0079301, MONDO:0017612.
LAMC2-related disorder. Also called: LAMC2-related condition.

Allele frequency attached by ClinVar (database versions not stated): 1000 Genomes Project 30x 0.00016; gnomAD 0.00016 and 0.00021; 1000 Genomes Project 0.00020; TOPMed 0.00043; ExAC 0.00054; gnomAD exomes 0.00064.
gnomAD v4.1: 297 of 1,614,164 alleles (0.018%); highest among the groups gnomAD compares: East Asian, 0.5%; 2 homozygotes.

Submissions (4):

Labcorp Genetics (formerly Invitae), Labcorp
Classification: Benign. Last evaluated: 2026-01-19. Review status: criteria provided, single submitter. Criteria: Invitae Variant Classification Sherloc (09022015). Collection method: clinical testing. Allele origin: germline.

Illumina Laboratory Services, Illumina
Classification: Likely benign for Junctional epidermolysis bullosa. Last evaluated: 2018-01-12. Review status: criteria provided, single submitter. Criteria: ICSL Variant Classification Criteria 13 December 2019. Collection method: clinical testing. Allele origin: germline.
Comment: This variant was observed in the ICSL laboratory as part of a predisposition screen in an ostensibly healthy population. It had not been previously curated by ICSL or reported in the Human Gene Mutation Database (HGMD: prior to June 1st, 2018), and was therefore a candidate for classification through an automated scoring system. Utilizing variant allele frequency, disease prevalence and penetrance estimates, and inheritance mode, an automated score was calculated to assess if this variant is too frequent to cause the disease. Based on the score and internal cut-off values, a variant classified as likely benign is not then subjected to further curation. The score for this variant resulted in a classification of likely benign for this disease.

Breakthrough Genomics
Classification: Likely benign. Review status: criteria provided, single submitter. Criteria: ACMG Guidelines, 2015. Collection method: not provided. Allele origin: germline. Inheritance: Autosomal recessive inheritance. Affected: yes.

PreventionGenetics, part of Exact Sciences
Classification: Likely benign for LAMC2-related condition. Last evaluated: 2024-08-27. Review status: no assertion criteria provided. Collection method: clinical testing. Allele origin: germline. Not counted in ClinVar's aggregate classification.
Comment: This variant is classified as likely benign based on ACMG/AMP sequence variant interpretation guidelines (Richards et al. 2015 PMID: 25741868, with internal and published modifications).